The following is an entry in ClinVar:

ClinVar aggregate classification (germline): Likely benign (1 of 4 stars; one submission).

Allele frequency attached by ClinVar (database versions not stated): 1000 Genomes Project 30x 0.00031; TOPMed 0.00056; 1000 Genomes Project 0.00040; gnomAD 0.00062.

Submission:

CeGaT Center for Human Genetics Tuebingen
Classification: Likely benign. Last evaluated: 2022-12-01. Review status: criteria provided, single submitter. Criteria: CeGaT Center For Human Genetics Tuebingen Variant Classification Criteria Version 2. Collection method: clinical testing. Allele origin: germline. Affected: yes. Observed: 1 variant allele.
Comment: RB1: BS1

NM_000321.3(RB1):c.1695+34353G>A

Genes: LPAR6 (lysophosphatidic acid receptor 6; minus strand), RB1 (RB transcriptional corepressor 1; plus strand). Cytogenetic location: 13q14.2.
Variant type: single nucleotide variant.
Coding change: c.1695+34353G>A on transcript NM_000321.3 (MANE Select); 34353 bases into the intron after coding-DNA position 1695, G replaced by A.
Molecular consequence: intron variant. On other transcripts: 5 prime UTR variant (4).
Genome position (GRCh38, 1-based): chr13:48,415,796, G>A. VCF-style: chr13-48415796-G-A. GRCh37 (hg19) VCF-style: chr13-48989932-G-A.
Other names: c.-785C>T (NM_001162497.3, NM_001377316.2, NM_001377317.2 and 1 more transcripts); c.1695+34353G>A (NM_001407165.1).
Identifiers: ClinVar variation 1879258 (VCV001879258.26), dbSNP rs148682734, ClinGen allele CA249287488.